The following is an entry in ClinVar:

ClinVar aggregate classification (germline): Likely benign (1 of 4 stars; one submission).

Conditions:
Pheochromocytoma/paraganglioma syndrome 5. Also called: Paragangliomas 5; SDHA-Related Hereditary Paraganglioma-Pheochromocytoma Syndrome. Identifiers: Orphanet 29072, MedGen C3279992, MONDO:0013602, OMIM 614165.

Submission:

Myriad Genetics, Inc.
Classification: Likely benign for Pheochromocytoma/paraganglioma syndrome 5. Last evaluated: 2025-03-11. Review status: criteria provided, single submitter. Criteria: Myriad Autosomal Dominant, Autosomal Recessive and X-Linked Classification Criteria (2023). Collection method: clinical testing. Allele origin: unknown.
Comment: This variant is considered likely benign. This variant is intronic and is not expected to impact mRNA splicing.

NM_004168.4(SDHA):c.1795-19A>G

Gene: SDHA (succinate dehydrogenase complex flavoprotein subunit A; plus strand). Cytogenetic location: 5p15.33.
Variant type: single nucleotide variant.
Coding change: c.1795-19A>G on transcript NM_004168.4 (MANE Select); 19 bases into the intron before coding-DNA position 1795, A replaced by G.
Molecular consequence: intron variant.
Genome position (GRCh38, 1-based): chr5:254,374, A>G. VCF-style: chr5-254374-A-G. GRCh37 (hg19) VCF-style: chr5-254489-A-G.
Other names: c.1552-19A>G (NM_001330758.2); c.1651-19A>G (NM_001294332.2).
Identifiers: ClinVar variation 3904400 (VCV003904400.1).
Genomic context (GRCh38, chr5:254,374, plus strand): 5'-ATCATGTTAATGTCTGCTGTGTTTTTTCTGTATTGCTCTGTTAGAGTAATAAGAAACGTG[A>G]TGGTGTTTCTGGCCTCAGGTGCGGATTGATGAGTACGATTACTCCAAGCCCATCCAGGGG-3'